The following is an entry in ClinVar:

ClinVar aggregate classification (germline): Uncertain significance. Review status: criteria provided, multiple submitters, no conflicts (2 of 4 stars). 2 submissions from 2 submitters: Uncertain significance (2). Last evaluated 2025-06-01.

Conditions:
Hereditary cancer-predisposing syndrome. Also called: Neoplastic Syndromes, Hereditary; Tumor predisposition; Hereditary Cancer Syndrome; Hereditary neoplastic syndrome. Identifiers: Orphanet 140162, MedGen C0027672, MeSH D009386, MONDO:0015356.

Allele frequency attached by ClinVar (database versions not stated): ExAC 0.00001.

Submissions (2):

Labcorp Genetics (formerly Invitae), Labcorp
Classification: Uncertain significance. Last evaluated: 2025-06-01. Review status: criteria provided, single submitter. Criteria: Invitae Variant Classification Sherloc (09022015). Collection method: clinical testing. Allele origin: germline.
Comment: This sequence change replaces leucine, which is neutral and non-polar, with valine, which is neutral and non-polar, at codon 224 of the NTHL1 protein (p.Leu224Val). This variant is present in population databases (rs751282646, gnomAD 0.003%). This variant has not been reported in the literature in individuals affected with NTHL1-related conditions. ClinVar contains an entry for this variant (Variation ID: 1755032). An algorithm developed to predict the effect of missense changes on protein structure and function (PolyPhen-2) suggests that this variant is likely to be disruptive. In summary, the available evidence is currently insufficient to determine the role of this variant in disease. Therefore, it has been classified as a Variant of Uncertain Significance.

Ambry Genetics
Classification: Uncertain significance for Hereditary cancer-predisposing syndrome. Last evaluated: 2024-10-18. Review status: criteria provided, single submitter. Criteria: Ambry Variant Classification Scheme 2023. Collection method: clinical testing. Allele origin: germline.
Comment: The p.L224V variant (also known as c.670C>G), located in coding exon 4 of the NTHL1 gene, results from a C to G substitution at nucleotide position 670. The leucine at codon 224 is replaced by valine, an amino acid with highly similar properties. This amino acid position is conserved. In addition, the in silico prediction for this alteration is inconclusive. Since supporting evidence is limited at this time, the clinical significance of this alteration remains unclear.

NM_002528.7(NTHL1):c.646C>G (p.Leu216Val)

Gene: NTHL1 (nth like DNA glycosylase 1; minus strand). Cytogenetic location: 16p13.3.
Variant type: single nucleotide variant.
Coding change: c.646C>G on transcript NM_002528.7 (MANE Select); coding-DNA position 646, C replaced by G.
Protein change: p.Leu216Val; replaces leucine 216 with valine.
Molecular consequence: missense variant.
Genome position (GRCh38, 1-based): chr16:2,043,606, G>C on the plus strand (C>G on the coding strand, the complement: NTHL1 is on the minus strand). VCF-style: chr16-2043606-G-C. GRCh37 (hg19) VCF-style: chr16-2093607-G-C.
Other names: c.475C>G, p.Leu159Val (NM_001318193.2); c.316C>G, p.Leu106Val (NM_001318194.2); short protein forms L159V, L216V, L106V.
Identifiers: ClinVar variation 1755032 (VCV001755032.4), dbSNP rs751282646, ClinGen allele CA7828185.